The following is an entry in ClinVar:

NM_006593.4(TBR1):c.395C>A (p.Pro132Gln)

Gene: TBR1 (T-box brain transcription factor 1; plus strand). Cytogenetic location: 2q24.2.
Variant type: single nucleotide variant.
Coding change: c.395C>A on transcript NM_006593.4 (MANE Select); coding-DNA position 395, C replaced by A.
Protein change: p.Pro132Gln; replaces proline 132 with glutamine.
Molecular consequence: missense variant.
Genome position (GRCh38, 1-based): chr2:161,416,805, C>A. VCF-style: chr2-161416805-C-A. GRCh37 (hg19) VCF-style: chr2-162273316-C-A.
Other names: short protein forms P132Q.
Identifiers: ClinVar variation 3774076 (VCV003774076.1).

ClinVar aggregate classification (germline): Uncertain significance (1 of 4 stars; one submission).

Submission:

GeneDx
Classification: Uncertain significance. Last evaluated: 2024-09-19. Review status: criteria provided, single submitter. Criteria: GeneDx Variant Classification Process June 2021. Collection method: clinical testing. Allele origin: germline. Affected: yes.
Comment: In silico analysis indicates that this missense variant does not alter protein structure/function; Has not been previously published as pathogenic or benign to our knowledge